The following is an entry in ClinVar:

NM_000229.2(LCAT):c.493G>A (p.Ala165Thr)

Gene: LCAT (lecithin-cholesterol acyltransferase; minus strand). Cytogenetic location: 16q22.1.
Variant type: single nucleotide variant.
Coding change: c.493G>A on transcript NM_000229.2 (MANE Select); coding-DNA position 493, G replaced by A.
Protein change: p.Ala165Thr; replaces alanine 165 with threonine.
Molecular consequence: missense variant.
Genome position (GRCh38, 1-based): chr16:67,942,701, C>T on the plus strand (G>A on the coding strand, the complement: LCAT is on the minus strand). VCF-style: chr16-67942701-C-T. GRCh37 (hg19) VCF-style: chr16-67976604-C-T.
Other names: short protein forms A165T.
Identifiers: ClinVar variation 3251283 (VCV003251283.2), dbSNP rs1369994093.

ClinVar aggregate classification (germline): Conflicting classifications of pathogenicity. Review status: criteria provided, conflicting classifications (1 of 4 stars). 2 submissions from 2 submitters: Likely pathogenic (1); Uncertain significance (1). Last evaluated 2024-04-15.

Conditions:
Norum disease. Also called: Familial lecithin cholesterol acyltransferase deficiency. Identifiers: Orphanet 79293, MedGen C0023195, MONDO:0009515, OMIM 245900.
Fish-eye disease (FED). Also called: ALPHA-LCAT DEFICIENCY; DYSLIPOPROTEINEMIC CORNEAL DYSTROPHY; LCATA DEFICIENCY. Identifiers: Orphanet 650, Orphanet 79292, MedGen C0342895, MONDO:0007620, OMIM 136120.
LCAT deficiency. Also called: Lecithin Acyltransferase Deficiency. Identifiers: Orphanet 650, Orphanet 79293, MedGen C5779633, MONDO:0018999.

Allele frequency attached by ClinVar (database versions not stated): gnomAD exomes below 0.00001.
gnomAD v4.1: 3 of 1,612,888 alleles (0.00019%); highest among the groups gnomAD compares: African/African-American, 0.0013%; no homozygotes.

Submissions (2):

Women's Health and Genetics/Laboratory Corporation of America, LabCorp
Classification: Likely pathogenic for LCAT deficiency. Last evaluated: 2024-04-15. Review status: criteria provided, single submitter. Criteria: LabCorp Variant Classification Summary - May 2015. Collection method: clinical testing. Allele origin: germline.
Comment: Variant summary: LCAT c.493G>A (p.Ala165Thr) results in a non-conservative amino acid change in the encoded protein sequence. Five of five in-silico tools predict a damaging effect of the variant on protein function. The variant allele was found at a frequency of 4e-06 in 248882 control chromosomes (gnomAD). c.493G>A has been reported in the literature in individuals affected with Fish-Eye Disease (Calabresi_2005). These data indicate that the variant may be associated with disease. At least one publication reports experimental evidence evaluating an impact on protein function, finding that the variant results in a complete loss of LCAT activity against HDL but increased activity against LDL (Calabresi_2009). The following publications have been ascertained in the context of this evaluation (PMID: 15994445, 19687369). No submitters have cited clinical-significance assessments for this variant to ClinVar. Based on the evidence outlined above, the variant was classified as likely pathogenic.

Fulgent Genetics
Classification: Uncertain significance for Fish-eye disease; Norum disease. Last evaluated: 2024-04-11. Review status: criteria provided, single submitter. Criteria: ACMG Guidelines, 2015. Collection method: clinical testing. Allele origin: germline.

Literature cited by the submitters: PubMed 15994445 (cited by Women's Health and Genetics/Laboratory Corporation of America, LabCorp); PubMed 19687369 (cited by Women's Health and Genetics/Laboratory Corporation of America, LabCorp).